The following is an entry in ClinVar:

NM_021096.4(CACNA1I):c.2129T>C (p.Ile710Thr)

Gene: CACNA1I (calcium voltage-gated channel subunit alpha1 I; plus strand). Cytogenetic location: 22q13.1.
Variant type: single nucleotide variant.
Coding change: c.2129T>C on transcript NM_021096.4 (MANE Select); coding-DNA position 2129, T replaced by C.
Protein change: p.Ile710Thr; replaces isoleucine 710 with threonine.
Molecular consequence: missense variant.
Genome position (GRCh38, 1-based): chr22:39,658,288, T>C. VCF-style: chr22-39658288-T-C. GRCh37 (hg19) VCF-style: chr22-40054293-T-C.
Other names: c.2024T>C, p.Ile675Thr (NM_001003406.2); short protein forms I675T, I710T.
Identifiers: ClinVar variation 4813294 (VCV004813294.1).

ClinVar aggregate classification (germline): Uncertain significance (1 of 4 stars; one submission).

Conditions:
Neurodevelopmental disorder with speech impairment and with or without seizures. Also called: Neurodevelopmental disorder with variable intellectual disability and speech impairment, with or without seizures. Identifiers: MedGen C5774252, MONDO:0859313, OMIM 620114.

Submission:

Ozbek Human Genetics Laboratory, Izmir Biomedicine and Genome Center
Classification: Uncertain significance for Neurodevelopmental disorder with speech impairment and with or without seizures. Last evaluated: 2025-04-23. Review status: criteria provided, single submitter. Criteria: ACMG Guidelines, 2015. Collection method: research. Allele origin: unknown. Affected: yes. Observed: 1 variant allele, 1 heterozygote.
Comment: A heterozygous (NM_021096.4):c.2129T>C, p.(Ile710Thr) missense variant was detected in exon 11 of the CACNA1I gene. This variant is observed to be highly rare in population databases and has never been previously reported in a homozygous state (PM2). Missense variants in the CACNA1I gene have a low rate of being benign and are considered disease-causing (PP2). This is a missense variant, and all computational prediction tools support that it has a damaging effect on the gene (PP3).Data obtained via the RAREBOOST project (Horizon 2020 ERA Chairs at Izmir Biomedicine and Genome Center - IBG)